The following is an entry in ClinVar:

NM_182972.3(IRF2BP2):c.763G>A (p.Ala255Thr)

Gene: IRF2BP2 (interferon regulatory factor 2 binding protein 2; minus strand). Cytogenetic location: 1q42.3.
Variant type: single nucleotide variant.
Coding change: c.763G>A on transcript NM_182972.3 (MANE Select); coding-DNA position 763, G replaced by A.
Protein change: p.Ala255Thr; replaces alanine 255 with threonine.
Molecular consequence: missense variant.
Genome position (GRCh38, 1-based): chr1:234,608,732, C>T on the plus strand (G>A on the coding strand, the complement: IRF2BP2 is on the minus strand). VCF-style: chr1-234608732-C-T. GRCh37 (hg19) VCF-style: chr1-234744478-C-T.
Other names: c.763G>A, p.Ala255Thr (NM_001077397.1); short protein forms A255T.
Identifiers: ClinVar variation 3899768 (VCV003899768.1).

ClinVar aggregate classification (germline): Uncertain significance (1 of 4 stars; one submission).

Submission:

GeneDx
Classification: Uncertain significance. Last evaluated: 2024-11-13. Review status: criteria provided, single submitter. Criteria: GeneDx Variant Classification Process June 2021. Collection method: clinical testing. Allele origin: germline. Affected: yes.
Comment: Not observed at significant frequency in large population cohorts (gnomAD); In silico analysis indicates that this missense variant does not alter protein structure/function; Has not been previously published as pathogenic or benign to our knowledge